The following is an entry in ClinVar:

ClinVar aggregate classification (germline): Uncertain significance (1 of 4 stars; one submission).

Conditions:
VPS13B-related disorder. Also called: VPS13B-related condition.

Submission:

PreventionGenetics, part of Exact Sciences
Classification: Uncertain significance for VPS13B-related condition. Last evaluated: 2025-07-08. Review status: criteria provided, single submitter. Criteria: ACMG Guidelines, 2015. Collection method: clinical testing. Allele origin: germline.
Comment: The VPS13B c.11929G>C variant is predicted to result in the amino acid substitution p.Ala3977Pro. To our knowledge, this variant has not been reported in the literature or in a large population database (gnomAD), indicating this variant is rare. At this time, the clinical significance of this variant is uncertain due to the absence of conclusive functional and genetic evidence.

NM_152564.5(VPS13B):c.11929G>C (p.Ala3977Pro)

Gene: VPS13B (vacuolar protein sorting 13 homolog B; plus strand). Cytogenetic location: 8q22.2.
Variant type: single nucleotide variant.
Coding change: c.11929G>C on transcript NM_152564.5 (MANE Select); coding-DNA position 11929, G replaced by C.
Protein change: p.Ala3977Pro; replaces alanine 3977 with proline.
Molecular consequence: missense variant.
Genome position (GRCh38, 1-based): chr8:99,875,601, G>C. VCF-style: chr8-99875601-G-C. GRCh37 (hg19) VCF-style: chr8-100887829-G-C.
Other names: c.12004G>C, p.Ala4002Pro (NM_017890.5); short protein forms A3977P, A4002P.
Identifiers: ClinVar variation 4999527 (VCV004999527.1).